The following is an entry in ClinVar:

ClinVar aggregate classification (germline): Uncertain significance. Review status: criteria provided, multiple submitters, no conflicts (2 of 4 stars). 2 submissions from 2 submitters: Uncertain significance (2). Last evaluated 2026-06-01.

Allele frequency attached by ClinVar (database versions not stated): TOPMed 0.00001.
gnomAD v4.1: 8 of 1,614,128 alleles (0.0005%); highest among the groups gnomAD compares: Admixed American, 0.0017%; no homozygotes.

Submissions (2):

CeGaT Center for Human Genetics Tuebingen
Classification: Uncertain significance. Last evaluated: 2026-06-01. Review status: criteria provided, single submitter. Criteria: CeGaT Center For Human Genetics Tuebingen Variant Classification Criteria Version 2. Collection method: clinical testing. Allele origin: germline. Affected: yes. Observed: 1 variant allele.
Comment: DMXL2: PM2

Labcorp Genetics (formerly Invitae), Labcorp
Classification: Uncertain significance. Last evaluated: 2022-05-21. Review status: criteria provided, single submitter. Criteria: Invitae Variant Classification Sherloc (09022015). Collection method: clinical testing. Allele origin: germline.
Comment: This sequence change replaces asparagine, which is neutral and polar, with serine, which is neutral and polar, at codon 963 of the DMXL2 protein (p.Asn963Ser). This variant is present in population databases (no rsID available, gnomAD 0.007%). This variant has not been reported in the literature in individuals affected with DMXL2-related conditions. Algorithms developed to predict the effect of missense changes on protein structure and function are either unavailable or do not agree on the potential impact of this missense change (SIFT: "Tolerated"; PolyPhen-2: "Probably Damaging"; Align-GVGD: "Class C0"). In summary, the available evidence is currently insufficient to determine the role of this variant in disease. Therefore, it has been classified as a Variant of Uncertain Significance.

NM_001378457.1(DMXL2):c.2888A>G (p.Asn963Ser)

Gene: DMXL2 (Dmx like 2; minus strand). Cytogenetic location: 15q21.2.
Variant type: single nucleotide variant.
Coding change: c.2888A>G on transcript NM_001378457.1 (MANE Select); coding-DNA position 2888, A replaced by G.
Protein change: p.Asn963Ser; replaces asparagine 963 with serine.
Molecular consequence: missense variant. On other transcripts: non-coding transcript variant (2), intron variant (2).
Genome position (GRCh38, 1-based): chr15:51,502,910, T>C on the plus strand (A>G on the coding strand, the complement: DMXL2 is on the minus strand). VCF-style: chr15-51502910-T-C. GRCh37 (hg19) VCF-style: chr15-51795107-T-C.
Other names: c.2888A>G, p.Asn963Ser (NM_001378458.1, NM_001378459.1, NM_001378461.1 and 4 more transcripts); c.2648A>G, p.Asn883Ser (NM_001378464.1); c.2764+4224A>G (NM_001378460.1, NM_001174117.3); short protein forms N883S, N963S.
Identifiers: ClinVar variation 1930543 (VCV001930543.4), dbSNP rs1285543384, ClinGen allele CA392438436.